The following is an entry in ClinVar:

NM_002439.5(MSH3):c.395A>C (p.Lys132Thr)

Gene: MSH3 (mutS homolog 3; plus strand). Cytogenetic location: 5q14.1.
Variant type: single nucleotide variant.
Coding change: c.395A>C on transcript NM_002439.5 (MANE Select); coding-DNA position 395, A replaced by C.
Protein change: p.Lys132Thr; replaces lysine 132 with threonine.
Molecular consequence: missense variant.
Genome position (GRCh38, 1-based): chr5:80,665,179, A>C. VCF-style: chr5-80665179-A-C. GRCh37 (hg19) VCF-style: chr5-79960998-A-C.
Other names: c.395A>C (NM_002439.3); short protein forms K132T.
Identifiers: ClinVar variation 843691 (VCV000843691.8), dbSNP rs1749540844, ClinGen allele CA360263113.

ClinVar aggregate classification (germline): Uncertain significance. Review status: criteria provided, multiple submitters, no conflicts (2 of 4 stars). 2 submissions from 2 submitters: Uncertain significance (2). Last evaluated 2025-09-23.

Conditions:
Hereditary cancer-predisposing syndrome. Also called: Hereditary Cancer Syndrome; Hereditary neoplastic syndrome; Tumor predisposition; Neoplastic Syndromes, Hereditary. Identifiers: Orphanet 140162, MedGen C0027672, MeSH D009386, MONDO:0015356.

Submissions (2):

Ambry Genetics
Classification: Uncertain significance for Hereditary cancer-predisposing syndrome. Last evaluated: 2025-09-23. Review status: criteria provided, single submitter. Criteria: Ambry Variant Classification Scheme 2023. Collection method: clinical testing. Allele origin: germline.
Comment: The p.K132T variant (also known as c.395A>C), located in coding exon 3 of the MSH3 gene, results from an A to C substitution at nucleotide position 395. The lysine at codon 132 is replaced by threonine, an amino acid with similar properties. This amino acid position is conserved. In addition, the in silico prediction for this alteration is inconclusive. Based on the available evidence, the clinical significance of this variant remains unclear.

Labcorp Genetics (formerly Invitae), Labcorp
Classification: Uncertain significance. Last evaluated: 2021-08-31. Review status: criteria provided, single submitter. Criteria: Invitae Variant Classification Sherloc (09022015). Collection method: clinical testing. Allele origin: germline.
Comment: This sequence change replaces lysine with threonine at codon 132 of the MSH3 protein (p.Lys132Thr). The lysine residue is moderately conserved and there is a moderate physicochemical difference between lysine and threonine. This variant is not present in population databases (ExAC no frequency). This variant has not been reported in the literature in individuals affected with MSH3-related conditions. Algorithms developed to predict the effect of missense changes on protein structure and function are either unavailable or do not agree on the potential impact of this missense change (SIFT: "Tolerated"; PolyPhen-2: "Possibly Damaging"; Align-GVGD: "Class C0"). In summary, the available evidence is currently insufficient to determine the role of this variant in disease. Therefore, it has been classified as a Variant of Uncertain Significance.